The following is an entry in ClinVar:

ClinVar aggregate classification (germline): Uncertain significance (1 of 4 stars; one submission).

Conditions:
Fanconi anemia (FA). Also called: Fanconi's anemia. Identifiers: Orphanet 84, MedGen C0015625, MeSH D005199, MONDO:0019391.

Submission:

Labcorp Genetics (formerly Invitae), Labcorp
Classification: Uncertain significance for Fanconi anemia. Last evaluated: 2023-03-16. Review status: criteria provided, single submitter. Criteria: Invitae Variant Classification Sherloc (09022015). Collection method: clinical testing. Allele origin: germline.
Comment: In summary, the available evidence is currently insufficient to determine the role of this variant in disease. Therefore, it has been classified as a Variant of Uncertain Significance. Algorithms developed to predict the effect of sequence changes on RNA splicing suggest that this variant may disrupt the consensus splice site. This variant has not been reported in the literature in individuals affected with SLX4-related conditions. This variant is not present in population databases (gnomAD no frequency). This sequence change falls in intron 6 of the SLX4 gene. It does not directly change the encoded amino acid sequence of the SLX4 protein.

NM_032444.4(SLX4):c.1366+16A>T

Gene: SLX4 (SLX4 structure-specific endonuclease subunit; minus strand). Cytogenetic location: 16p13.3.
Variant type: single nucleotide variant.
Coding change: c.1366+16A>T on transcript NM_032444.4 (MANE Select); 16 bases into the intron after coding-DNA position 1366, A replaced by T.
Molecular consequence: intron variant.
Genome position (GRCh38, 1-based): chr16:3,597,781, T>A on the plus strand (A>T on the coding strand, the complement: SLX4 is on the minus strand). VCF-style: chr16-3597781-T-A. GRCh37 (hg19) VCF-style: chr16-3647782-T-A.
Identifiers: ClinVar variation 2759899 (VCV002759899.3), dbSNP rs2548219299, ClinGen allele CA2697549648.